The following is an entry in ClinVar:

NM_138387.4(G6PC3):c.936C>G (p.Phe312Leu)

Gene: G6PC3 (glucose-6-phosphatase catalytic subunit 3; plus strand). Cytogenetic location: 17q21.31.
Variant type: single nucleotide variant.
Coding change: c.936C>G on transcript NM_138387.4 (MANE Select); coding-DNA position 936, C replaced by G.
Protein change: p.Phe312Leu; replaces phenylalanine 312 with leucine.
Molecular consequence: missense variant. On other transcripts: 3 prime UTR variant (1).
Genome position (GRCh38, 1-based): chr17:44,075,938, C>G. VCF-style: chr17-44075938-C-G. GRCh37 (hg19) VCF-style: chr17-42153306-C-G.
Other names: c.*229C>G (NM_001319945.2); c.591C>G, p.Phe197Leu (NM_001384165.1, NM_001384166.1, NM_001384167.1 and 1 more transcripts); short protein forms F197L, F312L.
Identifiers: ClinVar variation 5022084 (VCV005022084.1).
Genomic context (GRCh38, chr17:44,075,938, plus strand): 5'-GCTGCTGGGCCCCCTGGACTGGCTGGGCCACCCCCCTCAGATCAGCCTCTTCTACATTTT[C>G]AATTTCCTCAAGTACACCCTCTGGCCATGCCTAGTCCTGGCCCTCGTGCCCTGGGCAGTG-3'
Protein context (NP_612396.1, residues 302-322): HPPQISLFYI[Phe312Leu]NFLKYTLWPC

ClinVar aggregate classification (germline): Uncertain significance (1 of 4 stars; one submission).

Conditions:
Inborn genetic diseases. Identifiers: MedGen C0950123, MeSH D030342.

Submission:

Ambry Genetics
Classification: Uncertain significance for Inborn genetic diseases. Last evaluated: 2026-06-26. Review status: criteria provided, single submitter. Criteria: Ambry Variant Classification Scheme 2023. Collection method: clinical testing. Allele origin: germline.
Comment: The p.F312L variant (also known as c.936C>G), located in coding exon 6 of the G6PC3 gene, results from a C to G substitution at nucleotide position 936. The phenylalanine at codon 312 is replaced by leucine, an amino acid with highly similar properties. This amino acid position is conserved. In addition, this alteration is predicted to be tolerated by in silico analysis. Based on the available evidence, the clinical significance of this variant remains unclear.